The following is an entry in ClinVar:

ClinVar aggregate classification (germline): Uncertain significance (1 of 4 stars; one submission).

Conditions:
Atrial septal defect 5 (ASD5). Identifiers: Orphanet 1478, MedGen C2748552, MONDO:0013011, OMIM 612794.
Dilated cardiomyopathy 1R (CMD1R). Identifiers: Orphanet 154, Orphanet 54260, MedGen C3150681, MONDO:0013261, OMIM 613424.
Hypertrophic cardiomyopathy 11. Also called: ACTC1-Related Familial Hypertrophic Cardiomyopathy. Identifiers: MedGen C2677506, MONDO:0012799, OMIM 612098.

Submission:

Labcorp Genetics (formerly Invitae), Labcorp
Classification: Uncertain significance for Dilated cardiomyopathy 1R; Hypertrophic cardiomyopathy 11; Atrial septal defect 5. Last evaluated: 2025-05-06. Review status: criteria provided, single submitter. Criteria: Invitae Variant Classification Sherloc (09022015). Collection method: clinical testing. Allele origin: germline.
Comment: This sequence change falls in intron 5 of the ACTC1 gene. It does not directly change the encoded amino acid sequence of the ACTC1 protein. This variant is not present in population databases (gnomAD no frequency). This variant has not been reported in the literature in individuals affected with ACTC1-related conditions. Algorithms developed to predict the effect of sequence changes on RNA splicing suggest that this variant may disrupt the consensus splice site. In summary, the available evidence is currently insufficient to determine the role of this variant in disease. Therefore, it has been classified as a Variant of Uncertain Significance.

NM_005159.5(ACTC1):c.809-13_809-12insGTGA

Genes: GJD2-DT (GJD2 divergent transcript; plus strand), ACTC1 (actin alpha cardiac muscle 1; minus strand). Cytogenetic location: 15q14.
Variant type: Insertion.
Coding change: c.809-13_809-12insGTGA on transcript NM_005159.5 (MANE Select); 13 bases into the intron before coding-DNA position 809 through 12 bases into the intron before coding-DNA position 809, GTGA inserted.
Molecular consequence: intron variant.
Genome position: GRCh38 VCF-style: chr15-34791307-T-TCTCA. GRCh37 (hg19) VCF-style: chr15-35083508-T-TCTCA.
Other names: c.809-13_809-12insGTGA (NM_001406483.1, NM_001406482.1); c.368-13_368-12insGTGA (NM_001406485.1); c.674-13_674-12insGTGA (NM_001406484.1).
Identifiers: ClinVar variation 4788088 (VCV004788088.1).